The following is an entry in ClinVar:

ClinVar aggregate classification (germline): Likely benign (1 of 4 stars; one submission).

Conditions:
Malignant hyperthermia, susceptibility to, 1 (MHS1). Also called: Anesthesia related hyperthermia; Malignant hyperpyrexia; Fulminating hyperpyrexia; Pharmacogenic myopathy; RYR1-Related Malignant Hyperthermia Susceptibility; Malignant hyperthermia suceptibility 1. Identifiers: Orphanet 423, MedGen C2930980, MONDO:0007783, OMIM 145600.

Submission:

All of Us Research Program, National Institutes of Health
Classification: Likely benign for Malignant hyperthermia, susceptibility to, 1. Last evaluated: 2023-06-08. Review status: criteria provided, single submitter. Criteria: ACMG Guidelines, 2015. Collection method: clinical testing. Allele origin: germline. Inheritance: Autosomal dominant inheritance. Observed: 1 variant allele, 1 heterozygote.
Comment: This study involves interpretation of variants in research participants for the purpose of population health screening. Participant phenotype was not available at the time of variant classification. Additional details can be found in publication PMID: 35346344, PMCID: PMC8962531

NM_000540.3(RYR1):c.6126T>C (p.Cys2042=)

Gene: RYR1 (ryanodine receptor 1; plus strand). Cytogenetic location: 19q13.2.
Variant type: single nucleotide variant.
Coding change: c.6126T>C on transcript NM_000540.3 (MANE Select); coding-DNA position 6126, T replaced by C.
Protein change: p.Cys2042=; no amino-acid change (cysteine 2042 retained).
Molecular consequence: synonymous variant.
Genome position (GRCh38, 1-based): chr19:38,490,731, T>C. VCF-style: chr19-38490731-T-C. GRCh37 (hg19) VCF-style: chr19-38981371-T-C.
Other names: c.6126T>C, p.Cys2042= (NM_001042723.2).
Identifiers: ClinVar variation 3071561 (VCV003071561.1), dbSNP rs2514256564, ClinGen allele CA507240426.